The following is an entry in ClinVar:

NM_001379210.1(SLC25A26):c.362C>T (p.Ser121Phe)

Gene: SLC25A26 (solute carrier family 25 member 26; plus strand). Cytogenetic location: 3p14.1.
Variant type: single nucleotide variant.
Coding change: c.362C>T on transcript NM_001379210.1 (MANE Select); coding-DNA position 362, C replaced by T.
Protein change: p.Ser121Phe; replaces serine 121 with phenylalanine.
Molecular consequence: missense variant. On other transcripts: non-coding transcript variant (1).
Genome position (GRCh38, 1-based): chr3:66,262,112, C>T. VCF-style: chr3-66262112-C-T. GRCh37 (hg19) VCF-style: chr3-66312536-C-T.
Other names: c.98C>T, p.Ser33Phe (NM_001164796.1, NM_001350993.1); c.362C>T, p.Ser121Phe (NM_173471.4); c.362C>T (NM_173471.3); short protein forms S33F, S121F.
Identifiers: ClinVar variation 1346874 (VCV001346874.6), dbSNP rs2107283343, ClinGen allele CA353546598.

ClinVar aggregate classification (germline): Uncertain significance. Review status: criteria provided, multiple submitters, no conflicts (2 of 4 stars). 2 submissions from 2 submitters: Uncertain significance (2). Last evaluated 2024-09-30.

Conditions:
Inborn genetic diseases. Identifiers: MedGen C0950123, MeSH D030342.

Allele frequency attached by ClinVar (database versions not stated): gnomAD exomes below 0.00001.
gnomAD v4.1: 2 of 1,583,782 alleles (0.00013%); highest among the groups gnomAD compares: Non-Finnish European, 0.00017%; no homozygotes.

Submissions (2):

Ambry Genetics
Classification: Uncertain significance for Inborn genetic diseases. Last evaluated: 2024-09-30. Review status: criteria provided, single submitter. Criteria: Ambry Variant Classification Scheme 2023. Collection method: clinical testing. Allele origin: germline.

Labcorp Genetics (formerly Invitae), Labcorp
Classification: Uncertain significance. Last evaluated: 2022-07-19. Review status: criteria provided, single submitter. Criteria: Invitae Variant Classification Sherloc (09022015). Collection method: clinical testing. Allele origin: germline.
Comment: This sequence change replaces serine, which is neutral and polar, with phenylalanine, which is neutral and non-polar, at codon 33 of the SLC25A26 protein (p.Ser33Phe). This variant is not present in population databases (gnomAD no frequency). This variant has not been reported in the literature in individuals affected with SLC25A26-related conditions. ClinVar contains an entry for this variant (Variation ID: 1346874). Algorithms developed to predict the effect of missense changes on protein structure and function are either unavailable or do not agree on the potential impact of this missense change (SIFT: "Deleterious"; PolyPhen-2: "Benign"; Align-GVGD: "Class C0"). Algorithms developed to predict the effect of sequence changes on RNA splicing suggest that this variant may create or strengthen a splice site. In summary, the available evidence is currently insufficient to determine the role of this variant in disease. Therefore, it has been classified as a Variant of Uncertain Significance.